The following is an entry in ClinVar:

NM_024675.4(PALB2):c.919A>T (p.Lys307Ter)

Gene: PALB2 (partner and localizer of BRCA2; minus strand). Cytogenetic location: 16p12.2.
Variant type: single nucleotide variant.
Coding change: c.919A>T on transcript NM_024675.4 (MANE Select); coding-DNA position 919, A replaced by T.
Protein change: p.Lys307Ter; replaces lysine 307 with a stop codon.
Molecular consequence: nonsense. On other transcripts: intron variant (3).
Genome position (GRCh38, 1-based): chr16:23,635,627, T>A on the plus strand (A>T on the coding strand, the complement: PALB2 is on the minus strand). VCF-style: chr16-23635627-T-A. GRCh37 (hg19) VCF-style: chr16-23646948-T-A.
Other names: c.859A>T, p.Lys287Ter (NM_001407296.1); c.919A>T, p.Lys307Ter (NM_001407297.1, NM_001407298.1, NM_001407299.1 and 3 more transcripts); c.34A>T, p.Lys12Ter (NM_001407304.1, NM_001407305.1, NM_001407306.1 and 5 more transcripts); c.48+5483A>T (NM_001407314.1); c.-104-5158A>T (NM_001407313.1, NM_001407312.1); short protein forms K287*, K307*, K12*.
Identifiers: ClinVar variation 4771047 (VCV004771047.1).

ClinVar aggregate classification (germline): Pathogenic (1 of 4 stars; one submission).

Conditions:
Familial cancer of breast. Also called: BREAST CANCER, FAMILIAL; hereditary breast carcinoma; Hereditary breast cancer. Identifiers: Orphanet 227535, MedGen C0346153, MONDO:0016419, OMIM 114480. Disease mechanism: loss of function.

Submission:

Labcorp Genetics (formerly Invitae), Labcorp
Classification: Pathogenic for Familial cancer of breast. Last evaluated: 2026-01-14. Review status: criteria provided, single submitter. Criteria: Invitae Variant Classification Sherloc (09022015). Collection method: clinical testing. Allele origin: germline.
Comment: This sequence change creates a premature translational stop signal (p.Lys307*) in the PALB2 gene. It is expected to result in an absent or disrupted protein product. Loss-of-function variants in PALB2 are known to be pathogenic (PMID: 17200668, 17200671, 17200672, 24136930, 25099575). This variant is not present in population databases (gnomAD no frequency). This variant has not been reported in the literature in individuals affected with PALB2-related conditions. For these reasons, this variant has been classified as Pathogenic.

Literature cited by the submitters: PubMed 17200668; PubMed 17200671; PubMed 17200672; PubMed 24136930; PubMed 25099575.